The following is an entry in ClinVar:

NM_000059.4(BRCA2):c.9147C>A (p.Tyr3049Ter)

Gene: BRCA2 (BRCA2 DNA repair associated; plus strand). Cytogenetic location: 13q13.1.
Variant type: single nucleotide variant.
Coding change: c.9147C>A on transcript NM_000059.4 (MANE Select); coding-DNA position 9147, C replaced by A.
Protein change: p.Tyr3049Ter; replaces tyrosine 3049 with a stop codon.
Molecular consequence: nonsense.
Genome position (GRCh38, 1-based): chr13:32,380,036, C>A. VCF-style: chr13-32380036-C-A. GRCh37 (hg19) VCF-style: chr13-32954173-C-A.
Other names: 9375C>A; short protein forms Y3049*.
Identifiers: ClinVar variation 267143 (VCV000267143.5), dbSNP rs886040823, ClinGen allele CA10589551.

ClinVar aggregate classification (germline): Pathogenic. Review status: reviewed by expert panel (3 of 4 stars). 2 submissions from 2 submitters: Pathogenic (1). 1 of the submissions does not count toward it. Last evaluated 2016-10-18.

Conditions:
Breast-ovarian cancer, familial, susceptibility to, 2 (BROVCA2). Also called: BRCA2 Hereditary Breast and Ovarian Cancer. Identifiers: Orphanet 145, MedGen C2675520, MONDO:0012933, OMIM 612555. Disease mechanism: loss of function.

Submissions (2):

Evidence-based Network for the Interpretation of Germline Mutant Alleles (ENIGMA)
Classification: Pathogenic for Breast-ovarian cancer, familial, susceptibility to, 2. Last evaluated: 2016-10-18. Review status: reviewed by expert panel. Criteria: ENIGMA BRCA1/2 Classification Criteria (2015). Collection method: curation. Allele origin: germline.
Comment: Variant allele predicted to encode a truncated non-functional protein.

Consortium of Investigators of Modifiers of BRCA1/2 (CIMBA), c/o University of Cambridge
Classification: Pathogenic for Breast-ovarian cancer, familial, susceptibility to, 2. Last evaluated: 2015-10-02. Review status: criteria provided, single submitter. Criteria: CIMBA Mutation Classification guidelines May 2016. Collection method: clinical testing. Allele origin: germline. Not counted in ClinVar's aggregate classification.